The following is an entry in ClinVar:

ClinVar aggregate classification (germline): Uncertain significance (1 of 4 stars; one submission).

gnomAD v4.1: 1 of 1,614,036 alleles (0.000062%); highest among the groups gnomAD compares: Non-Finnish European, 0.000085%; no homozygotes.

Submission:

Labcorp Genetics (formerly Invitae), Labcorp
Classification: Uncertain significance. Last evaluated: 2023-02-27. Review status: criteria provided, single submitter. Criteria: Invitae Variant Classification Sherloc (09022015). Collection method: clinical testing. Allele origin: germline.
Comment: This sequence change replaces tyrosine, which is neutral and polar, with serine, which is neutral and polar, at codon 451 of the MTOR protein (p.Tyr451Ser). This variant is not present in population databases (gnomAD no frequency). This variant has not been reported in the literature in individuals affected with MTOR-related conditions. Advanced modeling of protein sequence and biophysical properties (such as structural, functional, and spatial information, amino acid conservation, physicochemical variation, residue mobility, and thermodynamic stability) performed at Invitae indicates that this missense variant is not expected to disrupt MTOR protein function. In summary, the available evidence is currently insufficient to determine the role of this variant in disease. Therefore, it has been classified as a Variant of Uncertain Significance.

NM_004958.4(MTOR):c.1352A>C (p.Tyr451Ser)

Gene: MTOR (mechanistic target of rapamycin kinase; minus strand). Cytogenetic location: 1p36.22.
Variant type: single nucleotide variant.
Coding change: c.1352A>C on transcript NM_004958.4 (MANE Select); coding-DNA position 1352, A replaced by C.
Protein change: p.Tyr451Ser; replaces tyrosine 451 with serine.
Molecular consequence: missense variant.
Genome position (GRCh38, 1-based): chr1:11,243,174, T>G on the plus strand (A>C on the coding strand, the complement: MTOR is on the minus strand). VCF-style: chr1-11243174-T-G. GRCh37 (hg19) VCF-style: chr1-11303231-T-G.
Other names: c.1352A>C, p.Tyr451Ser (NM_001386500.1); c.104A>C, p.Tyr35Ser (NM_001386501.1); short protein forms Y451S, Y35S.
Identifiers: ClinVar variation 2841319 (VCV002841319.3), dbSNP rs1366047152, ClinGen allele CA338396084.
Genomic context (GRCh38, chr1:11,243,174, plus strand): 5'-TTATGGGCGAAGTCCTTTGGGGGCAGGGCCGCTCGGATGATGTCCAGCACGCGAGGCAAA[T>G]AGACCTTAAACTCAGACCTCACAGCCACAGAAAGTAGCCCCAGGGCTTGGAAGGCCGCTG-3'
Protein context (NP_004949.1, residues 441-461): SVAVRSEFKV[Tyr451Ser]LPRVLDIIRA